The following is an entry in ClinVar:

ClinVar aggregate classification (germline): Uncertain significance (1 of 4 stars; one submission).

Conditions:
Charcot-Marie-Tooth disease dominant intermediate C (CMTDIC). Also called: CHARCOT-MARIE-TOOTH NEUROPATHY, DOMINANT INTERMEDIATE C. Identifiers: Orphanet 100045, MedGen C1842237, MONDO:0012012, OMIM 608323.

Allele frequency attached by ClinVar (database versions not stated): gnomAD exomes below 0.00001; TOPMed below 0.00001; gnomAD 0.00001.
gnomAD v4.1: 4 of 1,613,470 alleles (0.00025%); highest among the groups gnomAD compares: Admixed American, 0.0017%; no homozygotes.

Submission:

Labcorp Genetics (formerly Invitae), Labcorp
Classification: Uncertain significance for Charcot-Marie-Tooth disease dominant intermediate C. Last evaluated: 2020-07-30. Review status: criteria provided, single submitter. Criteria: Invitae Variant Classification Sherloc (09022015). Collection method: clinical testing. Allele origin: germline.
Comment: In summary, the available evidence is currently insufficient to determine the role of this variant in disease. Therefore, it has been classified as a Variant of Uncertain Significance. Nucleotide substitutions within the consensus splice site are a relatively common cause of aberrant splicing (PMID: 17576681, 9536098). Algorithms developed to predict the effect of sequence changes on RNA splicing suggest that this variant is not likely to affect RNA splicing, but this prediction has not been confirmed by published transcriptional studies. This variant has not been reported in the literature in individuals with YARS-related conditions. This variant is not present in population databases (ExAC no frequency). This sequence change falls in intron 10 of the YARS gene. It does not directly change the encoded amino acid sequence of the YARS protein, but it affects a nucleotide within the consensus splice site of the intron.

Literature cited by the submitters: PubMed 17576681; PubMed 9536098.

NM_003680.4(YARS1):c.1140+6C>T

Gene: YARS1 (tyrosyl-tRNA synthetase 1; minus strand). Cytogenetic location: 1p35.1.
Variant type: single nucleotide variant.
Coding change: c.1140+6C>T on transcript NM_003680.4 (MANE Select); 6 bases into the intron after coding-DNA position 1140, C replaced by T.
Molecular consequence: intron variant.
Genome position (GRCh38, 1-based): chr1:32,781,042, G>A on the plus strand (C>T on the coding strand, the complement: YARS1 is on the minus strand). VCF-style: chr1-32781042-G-A. GRCh37 (hg19) VCF-style: chr1-33246643-G-A.
Identifiers: ClinVar variation 1026314 (VCV001026314.8), dbSNP rs1653037113, ClinGen allele CA1000323223.
Genomic context (GRCh38, chr1:32,781,042, plus strand): 5'-CTCCGGATGGAAACAGACAAACCTGACCCCAATCTGCCTCTCTGAGATGTGGTGAAAAAT[G>A]AGTACCTTCTCCACAGTGATGATTTTCCCCACACGGATATCCAGCCGGGATGGGATGACC-3'